The following is an entry in ClinVar:

ClinVar aggregate classification (germline): Benign/Likely benign. Review status: criteria provided, multiple submitters, no conflicts (2 of 4 stars). 5 submissions from 5 submitters: Benign (1); Likely benign (4). Last evaluated 2025-12-22.

Conditions:
Methylmalonic acidemia with homocystinuria, type cblX (MAHCX). Also called: INTELLECTUAL DEVELOPMENTAL DISORDER, X-LINKED 3. Identifiers: Orphanet 369962, MedGen C0796208, MONDO:0010657, OMIM 309541.

Allele frequency attached by ClinVar (database versions not stated): ExAC 0.00001; gnomAD exomes 0.00001; gnomAD 0.00002.
gnomAD v4.1: 42 of 1,208,252 alleles (0.0035%); highest among the groups gnomAD compares: Non-Finnish European, 0.0045%; no homozygotes.

Submissions (5):

Labcorp Genetics (formerly Invitae), Labcorp
Classification: Benign for Methylmalonic acidemia with homocystinuria, type cblX. Last evaluated: 2025-12-22. Review status: criteria provided, single submitter. Criteria: Invitae Variant Classification Sherloc (09022015). Collection method: clinical testing. Allele origin: germline.

Women's Health and Genetics/Laboratory Corporation of America, LabCorp
Classification: Likely benign. Last evaluated: 2024-04-29. Review status: criteria provided, single submitter. Criteria: LabCorp Variant Classification Summary - May 2015. Collection method: clinical testing. Allele origin: germline.

Fulgent Genetics
Classification: Likely benign for Methylmalonic acidemia with homocystinuria, type cblX. Last evaluated: 2021-07-07. Review status: criteria provided, single submitter. Criteria: ACMG Guidelines, 2015. Collection method: clinical testing. Allele origin: unknown.

Blueprint Genetics
Classification: Likely benign. Last evaluated: 2020-08-31. Review status: criteria provided, single submitter. Criteria: ACMG Guidelines, 2015. Collection method: clinical testing. Allele origin: germline.

GeneDx
Classification: Likely benign. Last evaluated: 2016-05-24. Review status: criteria provided, single submitter. Criteria: GeneDx Variant Classification (06012015). Collection method: clinical testing. Allele origin: germline. Affected: yes.
Comment: This variant is considered likely benign or benign based on one or more of the following criteria: it is a conservative change, it occurs at a poorly conserved position in the protein, it is predicted to be benign by multiple in silico algorithms, and/or has population frequency not consistent with disease.

NM_005334.3(HCFC1):c.2394C>T (p.Ile798=)

Gene: HCFC1 (host cell factor C1; minus strand). Cytogenetic location: Xq28.
Variant type: single nucleotide variant.
Coding change: c.2394C>T on transcript NM_005334.3 (MANE Select); coding-DNA position 2394, C replaced by T.
Protein change: p.Ile798=; no amino-acid change (isoleucine 798 retained).
Molecular consequence: synonymous variant.
Genome position (GRCh38, 1-based): chrX:153,957,020, G>A on the plus strand (C>T on the coding strand, the complement: HCFC1 is on the minus strand). VCF-style: chrX-153957020-G-A. GRCh37 (hg19) VCF-style: chrX-153222471-G-A.
Identifiers: ClinVar variation 386352 (VCV000386352.7), dbSNP rs782244636, ClinGen allele CA10557339.